The following is an entry in ClinVar:

NM_001369.3(DNAH5):c.6061+10A>G

Gene: DNAH5 (dynein axonemal heavy chain 5; minus strand). Cytogenetic location: 5p15.2.
Variant type: single nucleotide variant.
Coding change: c.6061+10A>G on transcript NM_001369.3 (MANE Select); 10 bases into the intron after coding-DNA position 6061, A replaced by G.
Molecular consequence: intron variant.
Genome position (GRCh38, 1-based): chr5:13,830,587, T>C on the plus strand (A>G on the coding strand, the complement: DNAH5 is on the minus strand). VCF-style: chr5-13830587-T-C. GRCh37 (hg19) VCF-style: chr5-13830696-T-C.
Other names: p.?.
Identifiers: ClinVar variation 163146 (VCV000163146.24), dbSNP rs77957856, ClinGen allele CA175789.

ClinVar aggregate classification (germline): Benign/Likely benign. Review status: criteria provided, multiple submitters, no conflicts (2 of 4 stars). 8 submissions from 8 submitters: Benign (5); Likely benign (2). 1 of the submissions does not count toward it. Last evaluated 2026-01-29.

Conditions:
Primary ciliary dyskinesia. Also called: Ciliary dyskinesia. Identifiers: Orphanet 244, MedGen C0008780, MONDO:0016575, HP:0012265.
Primary ciliary dyskinesia 3. Identifiers: Orphanet 244, MedGen C1837618, MONDO:0012085, OMIM 608644.

Allele frequency attached by ClinVar (database versions not stated): gnomAD exomes 0.00083 and 0.00236; ExAC 0.00271; gnomAD 0.00912 and 0.00962; 1000 Genomes Project 0.00998; ESP Exome Variant Server 0.01015; TOPMed 0.01068; 1000 Genomes Project 30x 0.01156.
gnomAD v4.1: 2,682 of 1,614,072 alleles (0.17%); highest among the groups gnomAD compares: African/African-American, 3.1%; 57 homozygotes.

Submissions (8):

Labcorp Genetics (formerly Invitae), Labcorp
Classification: Benign for Primary ciliary dyskinesia. Last evaluated: 2026-01-29. Review status: criteria provided, single submitter. Criteria: Invitae Variant Classification Sherloc (09022015). Collection method: clinical testing. Allele origin: germline.

Mayo Clinic Laboratories, Mayo Clinic
Classification: Benign. Last evaluated: 2025-09-30. Review status: criteria provided, single submitter. Criteria: ACMG Guidelines, 2015. Collection method: clinical testing. Allele origin: germline. Observed: 1 variant allele.
Comment: BS1, BS2, BP4, BP7

ARUP Laboratories, Molecular Genetics and Genomics, ARUP Laboratories
Classification: Benign for Primary ciliary dyskinesia 3. Last evaluated: 2025-02-06. Review status: criteria provided, single submitter. Criteria: ARUP Molecular Germline Variant Investigation Process 2024. Collection method: clinical testing. Allele origin: germline.

Illumina Laboratory Services, Illumina
Classification: Likely benign for Primary ciliary dyskinesia 3. Last evaluated: 2018-01-13. Review status: criteria provided, single submitter. Criteria: ICSL Variant Classification Criteria 13 December 2019. Collection method: clinical testing. Allele origin: germline.
Comment: This variant was observed in the ICSL laboratory as part of a predisposition screen in an ostensibly healthy population. It had not been previously curated by ICSL or reported in the Human Gene Mutation Database (HGMD: prior to June 1st, 2018), and was therefore a candidate for classification through an automated scoring system. Utilizing variant allele frequency, disease prevalence and penetrance estimates, and inheritance mode, an automated score was calculated to assess if this variant is too frequent to cause the disease. Based on the score and internal cut-off values, a variant classified as likely benign is not then subjected to further curation. The score for this variant resulted in a classification of likely benign for this disease.

Laboratory for Molecular Medicine, Mass General Brigham Personalized Medicine
Classification: Benign. Last evaluated: 2013-02-21. Review status: criteria provided, single submitter. Criteria: LMM Criteria. Collection method: clinical testing. Allele origin: germline. Observed: 2 variant alleles.
Comment: 6061+10A>G in intron 36 of DNAH5: This variant is not expected to have clinical significance because it is not located within the conserved splice consensus seq uence. It has been identified in 3.0% (132/4406) of African American chromosomes from a broad population by the NHLBI Exome Sequencing Project (dbSNP rs77957856).

Breakthrough Genomics
Classification: Likely benign. Review status: criteria provided, single submitter. Criteria: ACMG Guidelines, 2015. Collection method: not provided. Allele origin: germline. Inheritance: Autosomal recessive inheritance. Affected: yes.

PreventionGenetics, part of Exact Sciences
Classification: Benign. Review status: criteria provided, single submitter. Criteria: ACMG Guidelines, 2015. Collection method: clinical testing. Allele origin: germline.

Natera, Inc.
Classification: Benign for Primary ciliary dyskinesia. Last evaluated: 2020-09-16. Review status: no assertion criteria provided. Collection method: clinical testing. Allele origin: germline. Not counted in ClinVar's aggregate classification.